The following is an entry in ClinVar:

ClinVar aggregate classification (germline): Uncertain significance. Review status: criteria provided, multiple submitters, no conflicts (2 of 4 stars). 2 submissions from 2 submitters: Uncertain significance (2). Last evaluated 2024-04-01.

Conditions:
Menkes kinky-hair syndrome (MNK). Also called: Menkes Disease; Copper transport disease; Classic Menkes Disease. Identifiers: Orphanet 565, MedGen C0022716, MONDO:0010651, OMIM 309400.
Cutis laxa, X-linked (OHS). Also called: EDS IX; Occipital horn syndrome. Identifiers: Orphanet 198, MedGen C0268353, MONDO:0010572, OMIM 304150.
X-linked distal spinal muscular atrophy type 3. Also called: ATP7A-Related Distal Motor Neuropathy; NEURONOPATHY, DISTAL HEREDITARY MOTOR, X-LINKED; NEUROPATHY, DISTAL HEREDITARY MOTOR, X-LINKED; SPINAL MUSCULAR ATROPHY, DISTAL, X-LINKED RECESSIVE. Identifiers: Orphanet 139557, MedGen C1845359, MONDO:0010338, OMIM 300489.

Allele frequency attached by ClinVar (database versions not stated): TOPMed below 0.00001; gnomAD 0.00001.

Submissions (2):

Labcorp Genetics (formerly Invitae), Labcorp
Classification: Uncertain significance for X-linked distal spinal muscular atrophy type 3; Cutis laxa, X-linked; Menkes kinky-hair syndrome. Last evaluated: 2024-04-01. Review status: criteria provided, single submitter. Criteria: Invitae Variant Classification Sherloc (09022015). Collection method: clinical testing. Allele origin: germline.
Comment: This sequence change replaces histidine, which is basic and polar, with arginine, which is basic and polar, at codon 163 of the ATP7A protein (p.His163Arg). This variant is not present in population databases (gnomAD no frequency). This variant has not been reported in the literature in individuals affected with ATP7A-related conditions. ClinVar contains an entry for this variant (Variation ID: 976083). Advanced modeling of protein sequence and biophysical properties (such as structural, functional, and spatial information, amino acid conservation, physicochemical variation, residue mobility, and thermodynamic stability) performed at Invitae indicates that this missense variant is not expected to disrupt ATP7A protein function with a negative predictive value of 95%. In summary, the available evidence is currently insufficient to determine the role of this variant in disease. Therefore, it has been classified as a Variant of Uncertain Significance.

Institute of Human Genetics, University of Leipzig Medical Center
Classification: Uncertain significance for Menkes kinky-hair syndrome. Last evaluated: 2018-04-23. Review status: criteria provided, single submitter. Criteria: ACMG Guidelines, 2015. Collection method: clinical testing. Allele origin: germline. Affected: yes. Observed: 1 variant allele.
Comment: This variant was identified as hemizygous

NM_000052.7(ATP7A):c.488A>G (p.His163Arg)

Gene: ATP7A (ATPase copper transporting alpha; plus strand). Cytogenetic location: Xq21.1.
Variant type: single nucleotide variant.
Coding change: c.488A>G on transcript NM_000052.7 (MANE Select); coding-DNA position 488, A replaced by G.
Protein change: p.His163Arg; replaces histidine 163 with arginine.
Molecular consequence: missense variant.
Genome position (GRCh38, 1-based): chrX:77,988,609, A>G. VCF-style: chrX-77988609-A-G. GRCh37 (hg19) VCF-style: chrX-77244105-A-G.
Other names: c.488A>G, p.His163Arg (NM_001282224.2); short protein forms H163R.
Identifiers: ClinVar variation 976083 (VCV000976083.4), dbSNP rs1164298315, ClinGen allele CA413600080.
Genomic context (GRCh38, chrX:77,988,609, plus strand): 5'-TTCCAGAACTCAGTTTAGATACTGGGACACTGGAGAAAAAGTCAGGAGCTTGTGAAGATC[A>G]TAGTATGGCTCAAGCTGGTGAAGTCGTGCTGAAGATGAAAGTGGAAGGGATGACCTGCCA-3'
Protein context (NP_000043.4, residues 153-173): LEKKSGACED[His163Arg]SMAQAGEVVL